The following is an entry in ClinVar:

ClinVar aggregate classification (germline): Conflicting classifications of pathogenicity. Review status: criteria provided, conflicting classifications (1 of 4 stars). 6 submissions from 5 submitters: Uncertain significance (2); Benign (1); Likely benign (3). Last evaluated 2026-09-01.

Conditions:
Brachydactyly type B1 (BDB1). Identifiers: Orphanet 572385, Orphanet 93383, MedGen C1862112, MONDO:0007220, OMIM 113000.
Autosomal recessive Robinow syndrome (RRS1). Also called: ROBINOW SYNDROME, AUTOSOMAL RECESSIVE 1; COSTOVERTEBRAL SEGMENTATION DEFECT WITH MESOMELIA; COVESDEM SYNDROME; ROR2-Related Robinow Syndrome. Identifiers: Orphanet 1507, Orphanet 97360, MedGen C5399974, MONDO:0009999, OMIM 268310.

Allele frequency attached by ClinVar (database versions not stated): gnomAD exomes 0.00022 and 0.00041; TOPMed 0.00023; gnomAD 0.00024; ExAC 0.00035; ESP Exome Variant Server 0.00046.
gnomAD v4.1: 371 of 1,614,222 alleles (0.023%); highest among the groups gnomAD compares: Middle Eastern, 0.2%; no homozygotes.

Submissions (6):

CeGaT Center for Human Genetics Tuebingen
Classification: Likely benign. Last evaluated: 2026-09-01. Review status: criteria provided, single submitter. Criteria: CeGaT Center For Human Genetics Tuebingen Variant Classification Criteria Version 2. Collection method: clinical testing. Allele origin: germline. Affected: yes. Observed: 2 variant alleles.
Comment: ROR2: BP4, BP7

Labcorp Genetics (formerly Invitae), Labcorp
Classification: Likely benign. Last evaluated: 2025-12-08. Review status: criteria provided, single submitter. Criteria: Invitae Variant Classification Sherloc (09022015). Collection method: clinical testing. Allele origin: germline.

Blueprint Genetics
Classification: Likely benign. Last evaluated: 2024-06-27. Review status: criteria provided, single submitter. Criteria: ACMG Guidelines, 2015. Collection method: clinical testing. Allele origin: germline.

Illumina Laboratory Services, Illumina
Classification: Uncertain significance for Autosomal recessive Robinow syndrome. Last evaluated: 2018-01-13. Review status: criteria provided, single submitter. Criteria: ICSL Variant Classification Criteria 13 December 2019. Collection method: clinical testing. Allele origin: germline.

Illumina Laboratory Services, Illumina
Classification: Benign for Brachydactyly type B1. Last evaluated: 2018-01-13. Review status: criteria provided, single submitter. Criteria: ICSL Variant Classification Criteria 13 December 2019. Collection method: clinical testing. Allele origin: germline.
Comment: This variant was observed in the ICSL laboratory as part of a predisposition screen in an ostensibly healthy population. It had not been previously curated by ICSL or reported in the Human Gene Mutation Database (HGMD: prior to June 1st, 2018), and was therefore a candidate for classification through an automated scoring system. Utilizing variant allele frequency, disease prevalence and penetrance estimates, and inheritance mode, an automated score was calculated to assess if this variant is too frequent to cause the disease. Based on the score and internal cut-off values, a variant classified as benign is not then subjected to further curation. The score for this variant resulted in a classification of benign for this disease.

Genetic Services Laboratory, University of Chicago
Classification: Uncertain significance for Robinow syndrome, autosomal recessive. Last evaluated: 2013-02-08. Review status: criteria provided, single submitter. Criteria: ACMG Guidelines, 2007. Collection method: clinical testing. Allele origin: germline. Inheritance: Autosomal recessive inheritance.

NM_004560.4(ROR2):c.1959G>A (p.Leu653=)

Gene: ROR2 (ROR family WNT receptor 2; minus strand). Cytogenetic location: 9q22.31.
Variant type: single nucleotide variant.
Coding change: c.1959G>A on transcript NM_004560.4 (MANE Select); coding-DNA position 1959, G replaced by A.
Protein change: p.Leu653=; no amino-acid change (leucine 653 retained).
Molecular consequence: synonymous variant.
Genome position (GRCh38, 1-based): chr9:91,724,535, C>T on the plus strand (G>A on the coding strand, the complement: ROR2 is on the minus strand). VCF-style: chr9-91724535-C-T. GRCh37 (hg19) VCF-style: chr9-94486817-C-T.
Identifiers: ClinVar variation 159812 (VCV000159812.45), dbSNP rs144549032, ClinGen allele CA272467.
Genomic context (GRCh38, chr9:91,724,535, plus strand): 5'-TGAGTCGATGGAGAACTTGCCGTACATGATGGCCTCTGGGGCCATCCAGCGGATAGGCAG[C>T]AGCGAGTTCCCCAGCAGCTTGTAGTAATCGGCGGCATACACCTCTCGGAAGAGGCCCAAG-3'
Protein context (NP_004551.2, residues 643-663): ADYYKLLGNS[Leu653=]LPIRWMAPEA